The following is an entry in ClinVar:

NM_032803.6(SLC7A3):c.216G>A (p.Val72=)

Gene: SLC7A3 (solute carrier family 7 member 3; minus strand). Cytogenetic location: Xq13.1.
Variant type: single nucleotide variant.
Coding change: c.216G>A on transcript NM_032803.6 (MANE Select); coding-DNA position 216, G replaced by A.
Protein change: p.Val72=; no amino-acid change (valine 72 retained).
Molecular consequence: synonymous variant.
Genome position (GRCh38, 1-based): chrX:70,929,782, C>T on the plus strand (G>A on the coding strand, the complement: SLC7A3 is on the minus strand). VCF-style: chrX-70929782-C-T. GRCh37 (hg19) VCF-style: chrX-70149632-C-T.
Other names: c.216G>A, p.Val72= (NM_001048164.3).
Identifiers: ClinVar variation 3058308 (VCV003058308.2), dbSNP rs771342262, ClinGen allele CA10443283.
Genomic context (GRCh38, chrX:70,929,782, plus strand): 5'-GGGAACCCGGGCACCAAACTCCGCATAGCACAGCCCAGCCAACACAGAAGACAGGGCAGC[C>T]ACCAAAAAGCAGATCACAATGGATGGCCCTGCTTTATCTTTGGCCACCTCGCCAGCTAGG-3'
Protein context (NP_116192.4, residues 62-82): AGPSIVICFL[Val72=]AALSSVLAGL

ClinVar aggregate classification (germline): Likely benign (0 of 4 stars; one submission).

Conditions:
SLC7A3-related disorder. Also called: SLC7A3-related condition.

Allele frequency attached by ClinVar (database versions not stated): TOPMed 0.00002; gnomAD 0.00005; gnomAD exomes 0.00006; ExAC 0.00008.
gnomAD v4.1: 73 of 1,208,542 alleles (0.006%); highest among the groups gnomAD compares: South Asian, 0.1%; no homozygotes.

Submission:

PreventionGenetics, part of Exact Sciences
Classification: Likely benign for SLC7A3-related condition. Last evaluated: 2023-03-13. Review status: no assertion criteria provided. Collection method: clinical testing. Allele origin: germline.
Comment: This variant is classified as likely benign based on ACMG/AMP sequence variant interpretation guidelines (Richards et al. 2015 PMID: 25741868, with internal and published modifications).